The following is an entry in ClinVar:

NM_144666.3(DNHD1):c.11420C>T (p.Pro3807Leu)

Gene: DNHD1 (dynein heavy chain domain 1; plus strand). Cytogenetic location: 11p15.4.
Variant type: single nucleotide variant.
Coding change: c.11420C>T on transcript NM_144666.3 (MANE Select); coding-DNA position 11420, C replaced by T.
Protein change: p.Pro3807Leu; replaces proline 3807 with leucine.
Molecular consequence: missense variant.
Genome position (GRCh38, 1-based): chr11:6,566,929, C>T. VCF-style: chr11-6566929-C-T. GRCh37 (hg19) VCF-style: chr11-6588159-C-T.
Other names: short protein forms P3807L.
Identifiers: ClinVar variation 724240 (VCV000724240.7), dbSNP rs76457785, ClinGen allele CA5856652.

ClinVar aggregate classification (germline): Benign. Review status: criteria provided, multiple submitters, no conflicts (2 of 4 stars). 3 submissions from 3 submitters: Benign (2). 1 of the submissions does not count toward it. Last evaluated 2019-12-31.

Conditions:
DNHD1-related disorder. Also called: DNHD1-related condition.

Allele frequency attached by ClinVar (database versions not stated): gnomAD 0.00486 and 0.00521; 1000 Genomes Project 0.00539; TOPMed 0.00554; ESP Exome Variant Server 0.00565; 1000 Genomes Project 30x 0.00625.

Submissions (3):

Labcorp Genetics (formerly Invitae), Labcorp
Classification: Benign. Last evaluated: 2019-12-31. Review status: criteria provided, single submitter. Criteria: Invitae Variant Classification Sherloc (09022015). Collection method: clinical testing. Allele origin: germline.

Breakthrough Genomics
Classification: Benign. Review status: criteria provided, single submitter. Criteria: ACMG Guidelines, 2015. Collection method: not provided. Allele origin: germline. Inheritance: Autosomal recessive inheritance. Affected: yes.

PreventionGenetics, part of Exact Sciences
Classification: Benign for DNHD1-related condition. Last evaluated: 2019-08-22. Review status: no assertion criteria provided. Collection method: clinical testing. Allele origin: germline. Not counted in ClinVar's aggregate classification.
Comment: This variant is classified as benign based on ACMG/AMP sequence variant interpretation guidelines (Richards et al. 2015 PMID: 25741868, with internal and published modifications).